The following is an entry in ClinVar:

NM_015488.5(PNKD):c.465G>C (p.Gln155His)

Genes: CATIP-AS2 (CATIP antisense RNA 2; minus strand), PNKD (PNKD metallo-beta-lactamase domain containing; plus strand). Cytogenetic location: 2q35.
Variant type: single nucleotide variant.
Coding change: c.465G>C on transcript NM_015488.5 (MANE Select); coding-DNA position 465, G replaced by C.
Protein change: p.Gln155His; replaces glutamine 155 with histidine.
Molecular consequence: missense variant.
Genome position (GRCh38, 1-based): chr2:218,340,141, G>C. VCF-style: chr2-218340141-G-C. GRCh37 (hg19) VCF-style: chr2-219204864-G-C.
Other names: c.393G>C, p.Gln131His (NM_022572.5); short protein forms Q155H, Q131H.
Identifiers: ClinVar variation 2986781 (VCV002986781.3), dbSNP rs2106293306, ClinGen allele CA350538883.

ClinVar aggregate classification (germline): Uncertain significance (1 of 4 stars; one submission).

Conditions:
Paroxysmal nonkinesigenic dyskinesia. Also called: Paroxysmal non-kinesigenic dyskinesia. Identifiers: Orphanet 98810, MedGen C1869117, MONDO:0700088.

Submission:

Labcorp Genetics (formerly Invitae), Labcorp
Classification: Uncertain significance for Paroxysmal nonkinesigenic dyskinesia. Last evaluated: 2023-06-10. Review status: criteria provided, single submitter. Criteria: Invitae Variant Classification Sherloc (09022015). Collection method: clinical testing. Allele origin: germline.
Comment: This sequence change replaces glutamine, which is neutral and polar, with histidine, which is basic and polar, at codon 155 of the PNKD protein (p.Gln155His). This variant also falls at the last nucleotide of exon 4, which is part of the consensus splice site for this exon. This variant is not present in population databases (gnomAD no frequency). This variant has not been reported in the literature in individuals affected with PNKD-related conditions. An algorithm developed to predict the effect of missense changes on protein structure and function (PolyPhen-2) suggests that this variant is likely to be disruptive. Variants that disrupt the consensus splice site are a relatively common cause of aberrant splicing (PMID: 17576681, 9536098). In summary, the available evidence is currently insufficient to determine the role of this variant in disease. Therefore, it has been classified as a Variant of Uncertain Significance.

Literature cited by the submitters: PubMed 17576681; PubMed 9536098.